The following is an entry in ClinVar:

NM_001267550.2(TTN):c.18787C>T (p.Pro6263Ser)

Genes: TTN (titin; minus strand), LOC126806430 (BRD4-independent group 4 enhancer GRCh37_chr2:179593794-179594993; plus strand). Cytogenetic location: 2q31.2.
Variant type: single nucleotide variant.
Coding change: c.18787C>T on transcript NM_001267550.2 (MANE Select); coding-DNA position 18787, C replaced by T.
Protein change: p.Pro6263Ser; replaces proline 6263 with serine.
Molecular consequence: missense variant. On other transcripts: intron variant (3).
Genome position (GRCh38, 1-based): chr2:178,729,369, G>A on the plus strand (C>T on the coding strand, the complement: TTN is on the minus strand). VCF-style: chr2-178729369-G-A. GRCh37 (hg19) VCF-style: chr2-179594096-G-A.
Other names: c.17836C>T, p.Pro5946Ser (NM_001256850.1); c.15055C>T, p.Pro5019Ser (NM_133378.4); c.13282+8713C>T (NM_003319.4); c.13858+8713C>T (NM_133437.4); c.13657+8713C>T (NM_133432.3); short protein forms P5019S, P5946S, P6263S.
Identifiers: ClinVar variation 3573567 (VCV003573567.1).

ClinVar aggregate classification (germline): Uncertain significance (1 of 4 stars; one submission).

gnomAD v4.1: 3 of 1,613,524 alleles (0.00019%); highest among the groups gnomAD compares: Non-Finnish European, 0.00025%; no homozygotes.

Submission:

GeneDx
Classification: Uncertain significance. Last evaluated: 2024-07-16. Review status: criteria provided, single submitter. Criteria: GeneDx Variant Classification Process June 2021. Collection method: clinical testing. Allele origin: germline. Affected: yes.
Comment: Not observed at significant frequency in large population cohorts (gnomAD); Missense variant in a gene in which most reported pathogenic variants are truncating/loss of function; Has not been previously published as pathogenic or benign to our knowledge